The following is an entry in ClinVar:

ClinVar aggregate classification (germline): Uncertain significance (1 of 4 stars; one submission).

Conditions:
Cardiovascular phenotype. Identifiers: MedGen CN230736.

Submission:

Ambry Genetics
Classification: Uncertain significance for Cardiovascular phenotype. Last evaluated: 2024-02-12. Review status: criteria provided, single submitter. Criteria: Ambry Variant Classification Scheme 2023. Collection method: clinical testing. Allele origin: germline.
Comment: The p.H141Q variant (also known as c.423C>A), located in coding exon 4 of the CSRP3 gene, results from a C to A substitution at nucleotide position 423. The histidine at codon 141 is replaced by glutamine, an amino acid with highly similar properties. This amino acid position is conserved. In addition, this alteration is predicted to be deleterious by in silico analysis. Based on the available evidence, the clinical significance of this alteration remains unclear.

NM_003476.5(CSRP3):c.423C>A (p.His141Gln)

Gene: CSRP3 (cysteine and glycine rich protein 3; minus strand). Cytogenetic location: 11p15.1.
Variant type: single nucleotide variant.
Coding change: c.423C>A on transcript NM_003476.5 (MANE Select); coding-DNA position 423, C replaced by A.
Protein change: p.His141Gln; replaces histidine 141 with glutamine.
Molecular consequence: missense variant.
Genome position (GRCh38, 1-based): chr11:19,185,037, G>T on the plus strand (C>A on the coding strand, the complement: CSRP3 is on the minus strand). VCF-style: chr11-19185037-G-T. GRCh37 (hg19) VCF-style: chr11-19206584-G-T.
Other names: c.423C>A, p.His141Gln (NM_001127656.1); c.254C>A, p.Thr85Lys (NM_001369404.1); short protein forms H141Q, T85K.
Identifiers: ClinVar variation 3223384 (VCV003223384.1), dbSNP rs1590102843, ClinGen allele CA379887792.
Genomic context (GRCh38, chr11:19,185,037, plus strand): 5'-GTCAGTGACATTTGTGGACTCCAGACTCTTCCCACAGATGGCACAGCGGAAACAGGTCTT[G>T]TGCCAAGGCTGAGGGGCACAGAAAAGTTGCATATTTAATGAGGTAGGCAACACATTCTGT-3'
Protein context (NP_003467.1, residues 131-151): EKVMGGGKPW[His141Gln]KTCFRCAICG